The following is an entry in ClinVar:

ClinVar aggregate classification (germline): Uncertain significance. Review status: criteria provided, multiple submitters, no conflicts (2 of 4 stars). 2 submissions from 2 submitters: Uncertain significance (2). Last evaluated 2025-12-29.

Conditions:
Brugada syndrome. Also called: Sudden unexpected nocturnal death syndrome; Sudden unexplained nocturnal death syndrome; Sudden Unexplained Death Syndrome; Sudden Unexplained Nocturnal Death Syndrome (SUNDS). Identifiers: Orphanet 130, MedGen C1142166, MONDO:0015263.

Allele frequency attached by ClinVar (database versions not stated): gnomAD exomes below 0.00001 and 0.00001; ExAC 0.00002; TOPMed 0.00005; gnomAD 0.00011 and 0.00013.
gnomAD v4.1: 22 of 1,594,224 alleles (0.0014%); highest among the groups gnomAD compares: African/African-American, 0.03%; no homozygotes.

Submissions (2):

Labcorp Genetics (formerly Invitae), Labcorp
Classification: Uncertain significance for Brugada syndrome. Last evaluated: 2025-12-29. Review status: criteria provided, single submitter. Criteria: Invitae Variant Classification Sherloc (09022015). Collection method: clinical testing. Allele origin: germline.
Comment: This sequence change replaces glutamine, which is neutral and polar, with glutamic acid, which is acidic and polar, at codon 263 of the SLMAP protein (p.Gln263Glu). This variant is present in population databases (rs765000724, gnomAD 0.03%). This variant has not been reported in the literature in individuals affected with SLMAP-related conditions. ClinVar contains an entry for this variant (Variation ID: 1383834). An algorithm developed to predict the effect of missense changes on protein structure and function (PolyPhen-2) suggests that this variant is likely to be tolerated. In summary, the available evidence is currently insufficient to determine the role of this variant in disease. Therefore, it has been classified as a Variant of Uncertain Significance.

Ambry Genetics
Classification: Uncertain significance. Last evaluated: 2024-07-27. Review status: criteria provided, single submitter. Criteria: Ambry Variant Classification Scheme 2023. Collection method: clinical testing. Allele origin: germline.

NM_001377540.1(SLMAP):c.787C>G (p.Gln263Glu)

Gene: SLMAP (sarcolemma associated protein; plus strand). Cytogenetic location: 3p14.3.
Variant type: single nucleotide variant.
Coding change: c.787C>G on transcript NM_001377540.1 (MANE Select); coding-DNA position 787, C replaced by G.
Protein change: p.Gln263Glu; replaces glutamine 263 with glutamic acid.
Molecular consequence: missense variant. On other transcripts: non-coding transcript variant (1).
Genome position (GRCh38, 1-based): chr3:57,860,798, C>G. VCF-style: chr3-57860798-C-G. GRCh37 (hg19) VCF-style: chr3-57846525-C-G.
Other names: c.787C>G, p.Gln263Glu (NM_001304420.3, NM_001304421.2, NM_001377538.1 and 17 more transcripts); c.787C>G (NM_007159.2); short protein forms Q263E.
Identifiers: ClinVar variation 1383834 (VCV001383834.8), dbSNP rs765000724, ClinGen allele CA2466917.